The following is an entry in ClinVar:

ClinVar aggregate classification (germline): Conflicting classifications of pathogenicity. Review status: criteria provided, conflicting classifications (1 of 4 stars). 3 submissions from 3 submitters: Uncertain significance (1); Likely benign (1). 1 of the submissions does not count toward it. Last evaluated 2023-04-05.

Conditions:
IL31RA-related disorder. Also called: IL31RA-related condition.

Allele frequency attached by ClinVar (database versions not stated): gnomAD exomes 0.00022 and 0.00050; ExAC 0.00034; ESP Exome Variant Server 0.00046; gnomAD 0.00051 and 0.00052; TOPMed 0.00053.
gnomAD v4.1: 414 of 1,613,892 alleles (0.026%); highest among the groups gnomAD compares: Admixed American, 0.085%; 1 homozygote.

Submissions (3):

Ambry Genetics
Classification: Uncertain significance. Last evaluated: 2023-04-05. Review status: criteria provided, single submitter. Criteria: Ambry Variant Classification Scheme 2023. Collection method: clinical testing. Allele origin: germline.

Labcorp Genetics (formerly Invitae), Labcorp
Classification: Likely benign. Last evaluated: 2018-03-09. Review status: criteria provided, single submitter. Criteria: Invitae Variant Classification Sherloc (09022015). Collection method: clinical testing. Allele origin: germline.

PreventionGenetics, part of Exact Sciences
Classification: Benign for IL31RA-related condition. Last evaluated: 2019-07-15. Review status: no assertion criteria provided. Collection method: clinical testing. Allele origin: germline. Not counted in ClinVar's aggregate classification.
Comment: This variant is classified as benign based on ACMG/AMP sequence variant interpretation guidelines (Richards et al. 2015 PMID: 25741868, with internal and published modifications).

NM_139017.7(IL31RA):c.709G>A (p.Val237Ile)

Gene: IL31RA (interleukin 31 receptor A; plus strand). Cytogenetic location: 5q11.2.
Variant type: single nucleotide variant.
Coding change: c.709G>A on transcript NM_139017.7 (MANE Select); coding-DNA position 709, G replaced by A.
Protein change: p.Val237Ile; replaces valine 237 with isoleucine.
Molecular consequence: missense variant.
Genome position (GRCh38, 1-based): chr5:55,890,072, G>A. VCF-style: chr5-55890072-G-A. GRCh37 (hg19) VCF-style: chr5-55185900-G-A.
Other names: c.652G>A, p.Val218Ile (NM_001242636.2, NM_001242638.2); c.709G>A, p.Val237Ile (NM_001242637.2, NM_001297570.3); c.283G>A, p.Val95Ile (NM_001242639.2); short protein forms V237I, V218I, V95I.
Identifiers: ClinVar variation 735802 (VCV000735802.7), dbSNP rs144829917, ClinGen allele CA3270567.
Genomic context (GRCh38, chr5:55,890,072, plus strand): 5'-ACGTACAACCTCACGGGGCTGCAGCCTTTTACAGAATATGTCATAGCTCTGCGATGTGCG[G>A]TCAAGGAGTCAAAGTTCTGGAGTGACTGGAGCCAAGAAAAAATGGGAATGACTGAGGAAG-3'
Protein context (NP_620586.3, residues 227-247): TEYVIALRCA[Val237Ile]KESKFWSDWS